The following is an entry in ClinVar:

NM_001287.6(CLCN7):c.368A>G (p.Glu123Gly)

Gene: CLCN7 (chloride voltage-gated channel 7; minus strand). Cytogenetic location: 16p13.3.
Variant type: single nucleotide variant.
Coding change: c.368A>G on transcript NM_001287.6 (MANE Select); coding-DNA position 368, A replaced by G.
Protein change: p.Glu123Gly; replaces glutamic acid 123 with glycine.
Molecular consequence: missense variant.
Genome position (GRCh38, 1-based): chr16:1,460,932, T>C on the plus strand (A>G on the coding strand, the complement: CLCN7 is on the minus strand). VCF-style: chr16-1460932-T-C. GRCh37 (hg19) VCF-style: chr16-1510933-T-C.
Other names: c.296A>G, p.Glu99Gly (NM_001114331.3); short protein forms E99G, E123G.
Identifiers: ClinVar variation 2786616 (VCV002786616.3), dbSNP rs748053318, ClinGen allele CA7810799.

ClinVar aggregate classification (germline): Uncertain significance (1 of 4 stars; one submission).

Allele frequency attached by ClinVar (database versions not stated): gnomAD exomes below 0.00001; ExAC 0.00001.

Submission:

Labcorp Genetics (formerly Invitae), Labcorp
Classification: Uncertain significance. Last evaluated: 2023-12-26. Review status: criteria provided, single submitter. Criteria: Invitae Variant Classification Sherloc (09022015). Collection method: clinical testing. Allele origin: germline.
Comment: This sequence change replaces glutamic acid, which is acidic and polar, with glycine, which is neutral and non-polar, at codon 123 of the CLCN7 protein (p.Glu123Gly). This variant is present in population databases (rs748053318, gnomAD 0.003%). This variant has not been reported in the literature in individuals affected with CLCN7-related conditions. An algorithm developed to predict the effect of missense changes on protein structure and function (PolyPhen-2) suggests that this variant is likely to be tolerated. In summary, the available evidence is currently insufficient to determine the role of this variant in disease. Therefore, it has been classified as a Variant of Uncertain Significance.